The following is an entry in ClinVar:

ClinVar aggregate classification (germline): Uncertain significance. Review status: criteria provided, multiple submitters, no conflicts (2 of 4 stars). 2 submissions from 2 submitters: Uncertain significance (2). Last evaluated 2023-11-14.

Conditions:
Autosomal dominant Parkinson disease 8. Also called: Parkinson disease 8, susceptibility to; LRRK2-Related Parkinson Disease; Parkinson disease 8. Identifiers: Orphanet 411602, MedGen C1846862, MONDO:0011764, OMIM 607060.
Inborn genetic diseases. Identifiers: MedGen C0950123, MeSH D030342.

Submissions (2):

Labcorp Genetics (formerly Invitae), Labcorp
Classification: Uncertain significance for Autosomal dominant Parkinson disease 8. Last evaluated: 2023-11-14. Review status: criteria provided, single submitter. Criteria: Invitae Variant Classification Sherloc (09022015). Collection method: clinical testing. Allele origin: germline.
Comment: This sequence change replaces glutamic acid, which is acidic and polar, with lysine, which is basic and polar, at codon 1507 of the LRRK2 protein (p.Glu1507Lys). This variant is not present in population databases (gnomAD no frequency). This variant has not been reported in the literature in individuals affected with LRRK2-related conditions. ClinVar contains an entry for this variant (Variation ID: 2489484). Advanced modeling of protein sequence and biophysical properties (such as structural, functional, and spatial information, amino acid conservation, physicochemical variation, residue mobility, and thermodynamic stability) has been performed at Invitae for this missense variant, however the output from this modeling did not meet the statistical confidence thresholds required to predict the impact of this variant on LRRK2 protein function. In summary, the available evidence is currently insufficient to determine the role of this variant in disease. Therefore, it has been classified as a Variant of Uncertain Significance.

Ambry Genetics
Classification: Uncertain significance for Inborn genetic diseases. Last evaluated: 2023-01-21. Review status: criteria provided, single submitter. Criteria: Ambry Variant Classification Scheme 2023. Collection method: clinical testing. Allele origin: germline.
Comment: The p.E1507K variant (also known as c.4519G>A), located in coding exon 31 of the LRRK2 gene, results from a G to A substitution at nucleotide position 4519. The glutamic acid at codon 1507 is replaced by lysine, an amino acid with similar properties. This amino acid position is conserved. In addition, this alteration is predicted to be deleterious by in silico analysis. Since supporting evidence is limited at this time, the clinical significance of this alteration remains unclear.

NM_198578.4(LRRK2):c.4519G>A (p.Glu1507Lys)

Gene: LRRK2 (leucine rich repeat kinase 2; plus strand). Cytogenetic location: 12q12.
Variant type: single nucleotide variant.
Coding change: c.4519G>A on transcript NM_198578.4 (MANE Select); coding-DNA position 4519, G replaced by A.
Protein change: p.Glu1507Lys; replaces glutamic acid 1507 with lysine.
Molecular consequence: missense variant.
Genome position (GRCh38, 1-based): chr12:40,310,632, G>A. VCF-style: chr12-40310632-G-A. GRCh37 (hg19) VCF-style: chr12-40704434-G-A.
Other names: short protein forms E1507K.
Identifiers: ClinVar variation 2489484 (VCV002489484.5), dbSNP rs1945008857, ClinGen allele CA384418678.